The following is an entry in ClinVar:

ClinVar aggregate classification (germline): Uncertain significance (1 of 4 stars; one submission).

gnomAD v4.1: 1 of 1,608,180 alleles (0.000062%); highest among the groups gnomAD compares: African/African-American, 0.0014%; no homozygotes.

Submission:

GeneDx
Classification: Uncertain significance. Last evaluated: 2026-03-22. Review status: criteria provided, single submitter. Criteria: GeneDx Variant Classification Process June 2021. Collection method: clinical testing. Allele origin: germline.
Comment: Not observed at significant frequency in large population cohorts (gnomAD); In silico analysis suggests that this missense variant does not alter protein structure/function; Has not been previously published as pathogenic or benign to our knowledge

NM_014712.3(SETD1A):c.1790C>T (p.Ala597Val)

Gene: SETD1A (SET domain containing 1A, histone lysine methyltransferase; plus strand). Cytogenetic location: 16p11.2.
Variant type: single nucleotide variant.
Coding change: c.1790C>T on transcript NM_014712.3 (MANE Select); coding-DNA position 1790, C replaced by T.
Protein change: p.Ala597Val; replaces alanine 597 with valine.
Molecular consequence: missense variant.
Genome position (GRCh38, 1-based): chr16:30,965,671, C>T. VCF-style: chr16-30965671-C-T. GRCh37 (hg19) VCF-style: chr16-30976992-C-T.
Other names: short protein forms A597V.
Identifiers: ClinVar variation 5017234 (VCV005017234.1).